The following is an entry in ClinVar:

ClinVar aggregate classification (germline): Uncertain significance. Review status: criteria provided, single submitter (1 of 4 stars). 2 submissions from 2 submitters: Uncertain significance (1). 1 of the submissions does not count toward it. Last evaluated 2023-08-30.

Conditions:
Usher syndrome type 1F (USH1F). Also called: USHER SYNDROME, TYPE IF. Identifiers: Orphanet 231169, Orphanet 886, MedGen C1865885, MONDO:0011186, OMIM 602083.

gnomAD v4.1: 3 of 1,613,160 alleles (0.00019%); highest among the groups gnomAD compares: South Asian, 0.0022%; no homozygotes.

Submissions (2):

Labcorp Genetics (formerly Invitae), Labcorp
Classification: Uncertain significance. Last evaluated: 2023-08-30. Review status: criteria provided, single submitter. Criteria: Invitae Variant Classification Sherloc (09022015). Collection method: clinical testing. Allele origin: germline.
Comment: In summary, the available evidence is currently insufficient to determine the role of this variant in disease. Therefore, it has been classified as a Variant of Uncertain Significance. An algorithm developed to predict the effect of missense changes on protein structure and function (PolyPhen-2) suggests that this variant is likely to be tolerated. ClinVar contains an entry for this variant (Variation ID: 990219). This variant has not been reported in the literature in individuals affected with PCDH15-related conditions. This variant is present in population databases (rs767761740, gnomAD 0.003%). This sequence change replaces proline, which is neutral and non-polar, with leucine, which is neutral and non-polar, at codon 1443 of the PCDH15 protein (p.Pro1443Leu).

Natera, Inc.
Classification: Uncertain significance for Usher syndrome type 1F. Last evaluated: 2020-04-16. Review status: no assertion criteria provided. Collection method: clinical testing. Allele origin: germline. Not counted in ClinVar's aggregate classification.

NM_001384140.1(PCDH15):c.4328C>T (p.Pro1443Leu)

Gene: PCDH15 (protocadherin related 15; minus strand). Cytogenetic location: 10q21.1.
Variant type: single nucleotide variant.
Coding change: c.4328C>T on transcript NM_001384140.1 (MANE Select); coding-DNA position 4328, C replaced by T.
Protein change: p.Pro1443Leu; replaces proline 1443 with leucine.
Molecular consequence: missense variant.
Genome position (GRCh38, 1-based): chr10:53,827,432, G>A on the plus strand (C>T on the coding strand, the complement: PCDH15 is on the minus strand). VCF-style: chr10-53827432-G-A. GRCh37 (hg19) VCF-style: chr10-55587192-G-A.
Other names: c.4328C>T, p.Pro1443Leu (NM_033056.4, NM_001142764.2, NM_001142770.3 and 3 more transcripts); c.4343C>T, p.Pro1448Leu (NM_001142763.2, NM_001142771.2); c.4115C>T, p.Pro1372Leu (NM_001142765.2); c.4319C>T, p.Pro1440Leu (NM_001142766.2); c.4208C>T, p.Pro1403Leu (NM_001142767.2); c.4262C>T, p.Pro1421Leu (NM_001142768.2, NM_001354404.2); c.4364C>T, p.Pro1455Leu (NM_001142769.4); c.4253C>T, p.Pro1418Leu (NM_001142773.2); and 1 more; short protein forms P1372L, P1403L, P1418L, P1421L, P1440L, P1443L, P1448L, P1450L.
Identifiers: ClinVar variation 990219 (VCV000990219.6), dbSNP rs767761740, ClinGen allele CA5505363.